The following is an entry in ClinVar:

ClinVar aggregate classification (germline): Conflicting classifications of pathogenicity. Review status: criteria provided, conflicting classifications (1 of 4 stars). 6 submissions from 6 submitters: Uncertain significance (3); Likely benign (2). 1 of the submissions does not count toward it. Last evaluated 2024-12-02.

Conditions:
Premature ovarian failure 17. Identifiers: MedGen C5436889, MONDO:0030870, OMIM 619146.
Fanconi anemia complementation group U. Identifiers: MedGen C4310651, MONDO:0014987, OMIM 617247.
Spermatogenic failure 50. Also called: Spermatogenic failures 50. Identifiers: MedGen C5436888, MONDO:0030869, OMIM 619145.
Hereditary cancer-predisposing syndrome. Also called: Neoplastic Syndromes, Hereditary; Hereditary Cancer Syndrome; Tumor predisposition; Hereditary neoplastic syndrome. Identifiers: Orphanet 140162, MedGen C0027672, MeSH D009386, MONDO:0015356.

Allele frequency attached by ClinVar (database versions not stated): ExAC 0.00001; gnomAD exomes 0.00001 and 0.00002; gnomAD 0.00003 and 0.00004; TOPMed 0.00004.
gnomAD v4.1: 23 of 1,613,938 alleles (0.0014%); highest among the groups gnomAD compares: East Asian, 0.0089%; no homozygotes.

Submissions (6):

Labcorp Genetics (formerly Invitae), Labcorp
Classification: Uncertain significance. Last evaluated: 2024-12-02. Review status: criteria provided, single submitter. Criteria: Invitae Variant Classification Sherloc (09022015). Collection method: clinical testing. Allele origin: germline.
Comment: This sequence change replaces threonine, which is neutral and polar, with methionine, which is neutral and non-polar, at codon 194 of the XRCC2 protein (p.Thr194Met). This variant is present in population databases (rs775565256, gnomAD 0.02%). This missense change has been observed in individual(s) with breast cancer (PMID: 23054243). ClinVar contains an entry for this variant (Variation ID: 584725). Invitae Evidence Modeling of protein sequence and biophysical properties (such as structural, functional, and spatial information, amino acid conservation, physicochemical variation, residue mobility, and thermodynamic stability) indicates that this missense variant is expected to disrupt XRCC2 protein function with a positive predictive value of 80%. Experimental studies have shown that this missense change does not substantially affect XRCC2 function (PMID: 27233470). In summary, the available evidence is currently insufficient to determine the role of this variant in disease. Therefore, it has been classified as a Variant of Uncertain Significance.

Quest Diagnostics Nichols Institute San Juan Capistrano
Classification: Likely benign. Last evaluated: 2022-09-29. Review status: criteria provided, single submitter. Criteria: Quest Diagnostics criteria. Collection method: clinical testing. Allele origin: unknown.

Ambry Genetics
Classification: Likely benign for Hereditary cancer-predisposing syndrome. Last evaluated: 2022-04-12. Review status: criteria provided, single submitter. Criteria: Ambry Variant Classification Scheme 2023. Collection method: clinical testing. Allele origin: germline.

Department of Pathology and Laboratory Medicine, Sinai Health System
Classification: Uncertain significance for Fanconi anemia complementation group U; Spermatogenic failure 50; Premature ovarian failure 17. Last evaluated: 2022-02-11. Review status: criteria provided, single submitter. Criteria: ACMG Guidelines, 2015. Collection method: research. Allele origin: germline.

Mendelics
Classification: Uncertain significance for Hereditary Cancer Syndrome. Last evaluated: 2018-07-02. Review status: criteria provided, single submitter. Criteria: Mendelics Assertion Criteria 2017. Collection method: clinical testing. Allele origin: unknown.

Leiden Open Variation Database
Classification: Uncertain significance. Last evaluated: 2016-04-14. Review status: no assertion criteria provided. Collection method: curation. Allele origin: germline. Affected: yes. Not counted in ClinVar's aggregate classification.
Comment: Curator: Arleen D. Auerbach. Submitter to LOVD: Florentine Hilbers.

Literature cited by the submitters: PubMed 23054243 (cited by 4 submitters); PubMed 27233470 (cited by 3 submitters); PubMed 28779002 (cited by Quest Diagnostics Nichols Institute San Juan Capistrano and Ambry Genetics).

NM_005431.2(XRCC2):c.581C>T (p.Thr194Met)

Gene: XRCC2 (X-ray repair cross complementing 2; minus strand). Cytogenetic location: 7q36.1.
Variant type: single nucleotide variant.
Coding change: c.581C>T on transcript NM_005431.2 (MANE Select); coding-DNA position 581, C replaced by T.
Protein change: p.Thr194Met; replaces threonine 194 with methionine.
Molecular consequence: missense variant.
Genome position (GRCh38, 1-based): chr7:152,648,904, G>A on the plus strand (C>T on the coding strand, the complement: XRCC2 is on the minus strand). VCF-style: chr7-152648904-G-A. GRCh37 (hg19) VCF-style: chr7-152345989-G-A.
Other names: short protein forms T194M.
Identifiers: ClinVar variation 584725 (VCV000584725.19), dbSNP rs775565256, ClinGen allele CA4582327.